The following is an entry in ClinVar:

ClinVar aggregate classification (germline): Likely pathogenic (1 of 4 stars; one submission).

Conditions:
Congenital hyperammonemia, type I. Also called: Carbamoyl phosphate synthetase 1 deficiency; Hyperammonemia due to carbamoyl phosphate synthetase 1 deficiency; CPS 1 deficiency; Carbamyl phosphate synthetase (CPS) deficiency; CPS I DEFICIENCY; Carbamoyl-phosphate synthase I deficiency. Identifiers: Orphanet 147, MedGen C4082171, MONDO:0009376, OMIM 237300.

Submission:

Myriad Genetics, Inc.
Classification: Likely pathogenic for Congenital hyperammonemia, type I. Last evaluated: 2022-03-15. Review status: criteria provided, single submitter. Criteria: Myriad Women's Health Autosomal Recessive and X-Linked Classification Criteria (2021). Collection method: clinical testing. Allele origin: unknown.
Comment: NM_001875.4(CPS1):c.4273A>T(K1425*) is expected to be pathogenic in the context of carbamoylphosphate synthetase I deficiency. This variant is predicted to lead to an abnormal or absent protein product due to the creation of a premature termination codon in CPS1, a gene where loss-of-function variants are known to be pathogenic. Please note: this variant was assessed in the context of healthy population screening.

NM_001875.5(CPS1):c.4273A>T (p.Lys1425Ter)

Gene: CPS1 (carbamoyl-phosphate synthase 1; plus strand). Cytogenetic location: 2q34.
Variant type: single nucleotide variant.
Coding change: c.4273A>T on transcript NM_001875.5 (MANE Select); coding-DNA position 4273, A replaced by T.
Protein change: p.Lys1425Ter; replaces lysine 1425 with a stop codon.
Molecular consequence: nonsense. On other transcripts: non-coding transcript variant (2).
Genome position (GRCh38, 1-based): chr2:210,675,839, A>T. VCF-style: chr2-210675839-A-T. GRCh37 (hg19) VCF-style: chr2-211540563-A-T.
Other names: c.4273A>T, p.Lys1425Ter (NM_001122633.3, NM_001369257.1); c.4306A>T, p.Lys1436Ter (NM_001369256.1); short protein forms K1425*, K1436*.
Identifiers: ClinVar variation 1725289 (VCV001725289.2), dbSNP rs755580814, ClinGen allele CA350440855.